The following is an entry in ClinVar:

ClinVar aggregate classification (germline): Uncertain significance (1 of 4 stars; one submission).

Conditions:
Malignant hyperthermia, susceptibility to, 1 (MHS1). Also called: Anesthesia related hyperthermia; Malignant hyperpyrexia; Fulminating hyperpyrexia; Pharmacogenic myopathy; RYR1-Related Malignant Hyperthermia Susceptibility; Malignant hyperthermia suceptibility 1. Identifiers: Orphanet 423, MedGen C2930980, MONDO:0007783, OMIM 145600.

Submission:

All of Us Research Program, National Institutes of Health
Classification: Uncertain significance for Malignant hyperthermia, susceptibility to, 1. Last evaluated: 2023-06-26. Review status: criteria provided, single submitter. Criteria: ACMG Guidelines, 2015. Collection method: clinical testing. Allele origin: germline. Inheritance: Autosomal dominant inheritance. Observed: 1 variant allele, 1 heterozygote.
Comment: This missense variant replaces glutamine with lysine at codon 55 of the RYR1 protein. Computational prediction is inconclusive regarding the impact of this variant on protein structure and function (internally defined REVEL score threshold 0.5 < inconclusive < 0.7, PMID: 27666373). To our knowledge, functional studies have not been reported for this variant. This variant has not been reported in individuals affected with RYR1-related disorders in the literature. This variant has not been identified in the general population by the Genome Aggregation Database (gnomAD). The available evidence is insufficient to determine the role of this variant in disease conclusively. Therefore, this variant is classified as a Variant of Uncertain Significance.

This study involves interpretation of variants in research participants for the purpose of population health screening. Participant phenotype was not available at the time of variant classification. Additional details can be found in publication PMID: 35346344, PMCID: PMC8962531

NM_000540.3(RYR1):c.163C>A (p.Gln55Lys)

Gene: RYR1 (ryanodine receptor 1; plus strand). Cytogenetic location: 19q13.2.
Variant type: single nucleotide variant.
Coding change: c.163C>A on transcript NM_000540.3 (MANE Select); coding-DNA position 163, C replaced by A.
Protein change: p.Gln55Lys; replaces glutamine 55 with lysine.
Molecular consequence: missense variant.
Genome position (GRCh38, 1-based): chr19:38,440,862, C>A. VCF-style: chr19-38440862-C-A. GRCh37 (hg19) VCF-style: chr19-38931502-C-A.
Other names: c.163C>A, p.Gln55Lys (NM_001042723.2); short protein forms Q55K.
Identifiers: ClinVar variation 3072013 (VCV003072013.1), dbSNP rs779061307, ClinGen allele CA405672263.